The following is an entry in ClinVar:

ClinVar aggregate classification (germline): Conflicting classifications of pathogenicity. Review status: criteria provided, conflicting classifications (1 of 4 stars). 3 submissions from 3 submitters: Uncertain significance (2); Likely benign (1). Last evaluated 2026-08-11.

Conditions:
RAI1-related disorder. Also called: RAI1-related condition.

Allele frequency attached by ClinVar (database versions not stated): TOPMed below 0.00001.

Submissions (3):

PreventionGenetics, part of Exact Sciences
Classification: Uncertain significance for RAI1-related condition. Last evaluated: 2026-08-11. Review status: criteria provided, single submitter. Criteria: ACMG Guidelines, 2015. Collection method: clinical testing. Allele origin: germline.
Comment: The RAI1 c.1616C>T variant is predicted to result in the amino acid substitution p.Pro539Leu. To our knowledge, this variant has not been reported in the literature or in a large population database (gnomAD), indicating this variant is rare. At this time, the clinical significance of this variant is uncertain due to the absence of conclusive functional and genetic evidence.

Labcorp Genetics (formerly Invitae), Labcorp
Classification: Likely benign. Last evaluated: 2024-12-16. Review status: criteria provided, single submitter. Criteria: Invitae Variant Classification Sherloc (09022015). Collection method: clinical testing. Allele origin: germline.

GeneDx
Classification: Uncertain significance. Last evaluated: 2020-12-30. Review status: criteria provided, single submitter. Criteria: GeneDx Variant Classification Process June 2021. Collection method: clinical testing. Allele origin: germline. Affected: yes.
Comment: Not observed in large population cohorts (Lek et al., 2016); In silico analysis supports that this missense variant has a deleterious effect on protein structure/function; Has not been previously published as pathogenic or benign to our knowledge

NM_030665.4(RAI1):c.1616C>T (p.Pro539Leu)

Gene: RAI1 (retinoic acid induced 1; plus strand). Cytogenetic location: 17p11.2.
Variant type: single nucleotide variant.
Coding change: c.1616C>T on transcript NM_030665.4 (MANE Select); coding-DNA position 1616, C replaced by T.
Protein change: p.Pro539Leu; replaces proline 539 with leucine.
Molecular consequence: missense variant.
Genome position (GRCh38, 1-based): chr17:17,794,564, C>T. VCF-style: chr17-17794564-C-T. GRCh37 (hg19) VCF-style: chr17-17697878-C-T.
Other names: short protein forms P539L.
Identifiers: ClinVar variation 1313842 (VCV001313842.8), dbSNP rs2032158187, ClinGen allele CA398548822.